The following is an entry in ClinVar:

ClinVar aggregate classification (germline): Uncertain significance. Review status: criteria provided, multiple submitters, no conflicts (2 of 4 stars). 2 submissions from 2 submitters: Uncertain significance (2). Last evaluated 2023-12-15.

Conditions:
Cardiovascular phenotype. Identifiers: MedGen CN230736.

Allele frequency attached by ClinVar (database versions not stated): TOPMed 0.00001.
gnomAD v4.1: 22 of 1,545,596 alleles (0.0014%); highest among the groups gnomAD compares: Non-Finnish European, 0.0018%; no homozygotes.

Submissions (2):

Ambry Genetics
Classification: Uncertain significance for Cardiovascular phenotype. Last evaluated: 2023-12-15. Review status: criteria provided, single submitter. Criteria: Ambry Variant Classification Scheme 2023. Collection method: clinical testing. Allele origin: germline.
Comment: The p.P42R variant (also known as c.125C>G), located in coding exon 1 of the CHST14 gene, results from a C to G substitution at nucleotide position 125. The proline at codon 42 is replaced by arginine, an amino acid with dissimilar properties. This amino acid position is conserved. In addition, the in silico prediction for this alteration is inconclusive. Since supporting evidence is limited at this time, the clinical significance of this alteration remains unclear.

Eurofins Ntd Llc (ga)
Classification: Uncertain significance. Last evaluated: 2017-08-22. Review status: criteria provided, single submitter. Criteria: EGL Classification Definitions 2015. Collection method: clinical testing. Allele origin: germline. Observed: 1 variant allele, 1 heterozygote.

NM_130468.4(CHST14):c.125C>G (p.Pro42Arg)

Genes: CHST14 (carbohydrate sulfotransferase 14; plus strand), LOC130056851 (ATAC-STARR-seq lymphoblastoid silent region 6336; plus strand). Cytogenetic location: 15q15.1.
Variant type: single nucleotide variant.
Coding change: c.125C>G on transcript NM_130468.4 (MANE Select); coding-DNA position 125, C replaced by G.
Protein change: p.Pro42Arg; replaces proline 42 with arginine.
Molecular consequence: missense variant.
Genome position (GRCh38, 1-based): chr15:40,471,338, C>G. VCF-style: chr15-40471338-C-G. GRCh37 (hg19) VCF-style: chr15-40763537-C-G.
Other names: c.125C>G (NM_130468.3); short protein forms P42R.
Identifiers: ClinVar variation 593537 (VCV000593537.6), dbSNP rs1368747984, ClinGen allele CA391763763.